The following is an entry in ClinVar:

NM_001166114.2(PNPLA6):c.3712C>G (p.Gln1238Glu)

Gene: PNPLA6 (patatin like domain 6, lysophospholipase; plus strand). Cytogenetic location: 19p13.2.
Variant type: single nucleotide variant.
Coding change: c.3712C>G on transcript NM_001166114.2 (MANE Select); coding-DNA position 3712, C replaced by G.
Protein change: p.Gln1238Glu; replaces glutamine 1238 with glutamic acid.
Molecular consequence: missense variant.
Genome position (GRCh38, 1-based): chr19:7,560,660, C>G. VCF-style: chr19-7560660-C-G. GRCh37 (hg19) VCF-style: chr19-7625546-C-G.
Other names: c.3742C>G, p.Gln1248Glu (NM_001166111.2); c.3517C>G, p.Gln1173Glu (NM_001166112.2); c.3598C>G, p.Gln1200Glu (NM_001166113.1, NM_006702.5); short protein forms Q1200E, Q1248E, Q1173E, Q1238E.
Identifiers: ClinVar variation 632325 (VCV000632325.13), dbSNP rs143072391, ClinGen allele CA9140558.
Genomic context (GRCh38, chr19:7,560,660, plus strand): 5'-AAGCAAAGCAGGGTTGCAGACATGGACCCAGCCCCTCATTTCCCACAGGATGTGGGCTAC[C>G]AGTACGGGAAGGCGGTGTTTGGAGGCTGGAGCCGTGGCAACGTCATTGAGAAAATGCTCA-3'
Protein context (NP_001159586.1, residues 1228-1248): KFDQIYDVGY[Gln1238Glu]YGKAVFGGWS

ClinVar aggregate classification (germline): Conflicting classifications of pathogenicity. Review status: criteria provided, conflicting classifications (1 of 4 stars). 4 submissions from 4 submitters: Uncertain significance (3); Likely benign (1). Last evaluated 2024-11-07.

Conditions:
Inborn genetic diseases. Identifiers: MedGen C0950123, MeSH D030342.
Hereditary spastic paraplegia 39 (SPG39). Also called: SPASTIC PARAPLEGIA 39, AUTOSOMAL RECESSIVE; Spastic Paraplegia Type 39 (SPG39). Identifiers: Orphanet 139480, MedGen C2677586, MONDO:0012787, OMIM 612020.

Allele frequency attached by ClinVar (database versions not stated): ESP Exome Variant Server 0.00008; gnomAD 0.00011 and 0.00013; TOPMed 0.00016.
gnomAD v4.1: 505 of 1,611,956 alleles (0.031%); highest among the groups gnomAD compares: Middle Eastern, 0.3%; no homozygotes.

Submissions (4):

Blueprint Genetics
Classification: Likely benign. Last evaluated: 2024-11-07. Review status: criteria provided, single submitter. Criteria: ACMG Guidelines, 2015. Collection method: clinical testing. Allele origin: germline.

GeneDx
Classification: Uncertain significance. Last evaluated: 2023-11-28. Review status: criteria provided, single submitter. Criteria: GeneDx Variant Classification Process June 2021. Collection method: clinical testing. Allele origin: germline. Affected: yes.
Comment: Identified along with a second PNPL6 variant in a patient with ataxia, but familial segregation information was not included and evidence in support of pathogenicity for the variant was not provided (PMID: 25133958); In silico analysis supports that this missense variant does not alter protein structure/function; This variant is associated with the following publications: (PMID: 25631098, 25480986, 25133958)

Labcorp Genetics (formerly Invitae), Labcorp
Classification: Uncertain significance for Hereditary spastic paraplegia 39. Last evaluated: 2022-10-24. Review status: criteria provided, single submitter. Criteria: Invitae Variant Classification Sherloc (09022015). Collection method: clinical testing. Allele origin: germline.
Comment: This sequence change replaces glutamine, which is neutral and polar, with glutamic acid, which is acidic and polar, at codon 1200 of the PNPLA6 protein (p.Gln1200Glu). This variant is present in population databases (rs143072391, gnomAD 0.03%). This missense change has been observed in individual(s) with chronic progressive cerebellar ataxia (PMID: 25133958). ClinVar contains an entry for this variant (Variation ID: 632325). Algorithms developed to predict the effect of missense changes on protein structure and function (SIFT, PolyPhen-2, Align-GVGD) all suggest that this variant is likely to be tolerated. In summary, the available evidence is currently insufficient to determine the role of this variant in disease. Therefore, it has been classified as a Variant of Uncertain Significance.

Ambry Genetics
Classification: Uncertain significance for Inborn genetic diseases. Last evaluated: 2022-03-02. Review status: criteria provided, single submitter. Criteria: Ambry Variant Classification Scheme 2023. Collection method: clinical testing. Allele origin: germline.
Comment: The c.3598C>G (p.Q1200E) alteration is located in exon 32 (coding exon 30) of the PNPLA6 gene. This alteration results from a C to G substitution at nucleotide position 3598, causing the glutamine (Q) at amino acid position 1200 to be replaced by a glutamic acid (E). Based on data from gnomAD, the G allele has an overall frequency of 0.02% (47/282758) total alleles studied. This amino acid position is highly conserved in available vertebrate species. This alteration is predicted to be tolerated by in silico analysis. Based on insufficient or conflicting evidence, the clinical significance of this alteration remains unclear.

Literature cited by the submitters: PubMed 25133958 (cited by Labcorp Genetics (formerly Invitae), Labcorp).